The following is an entry in ClinVar:

ClinVar aggregate classification (germline): Uncertain significance. Review status: criteria provided, multiple submitters, no conflicts (2 of 4 stars). 5 submissions from 5 submitters: Uncertain significance (5). Last evaluated 2025-04-23.

Conditions:
Hereditary cancer-predisposing syndrome. Also called: Hereditary Cancer Syndrome; Neoplastic Syndromes, Hereditary; Hereditary neoplastic syndrome; Tumor predisposition. Identifiers: Orphanet 140162, MedGen C0027672, MeSH D009386, MONDO:0015356.
Familial adenomatous polyposis 1 (FAP1). Also called: FAMILIAL ADENOMATOUS POLYPOSIS 1, ATTENUATED; POLYPOSIS, ADENOMATOUS INTESTINAL. Identifiers: MedGen C2713442, MONDO:0021056, OMIM 175100. Disease mechanism: loss of function.
Classic or attenuated familial adenomatous polyposis. Identifiers: MedGen CN372698, MONDO:0021057.

Allele frequency attached by ClinVar (database versions not stated): gnomAD 0.00001 and 0.00002; TOPMed 0.00001.
gnomAD v4.1: 11 of 1,607,104 alleles (0.00068%); highest among the groups gnomAD compares: South Asian, 0.0022%; no homozygotes.

Submissions (5):

Ambry Genetics
Classification: Uncertain significance for Hereditary cancer-predisposing syndrome. Last evaluated: 2025-04-23. Review status: criteria provided, single submitter. Criteria: Ambry Variant Classification Scheme 2023. Collection method: clinical testing. Allele origin: germline.
Comment: The p.A160T variant (also known as c.478G>A), located in coding exon 4 of the APC gene, results from a G to A substitution at nucleotide position 478. The alanine at codon 160 is replaced by threonine, an amino acid with similar properties. This amino acid position is highly conserved in available vertebrate species. In addition, in silico predictors for this gene do not accurately predict pathogenicity. Missense alterations in APC are not a common cause of disease (Spier I et al. Genet Med. 2024 Feb;26(2):100992). Based on the available evidence, the clinical significance of this variant remains unclear.

Labcorp Genetics (formerly Invitae), Labcorp
Classification: Uncertain significance for Familial adenomatous polyposis 1. Last evaluated: 2024-08-27. Review status: criteria provided, single submitter. Criteria: Invitae Variant Classification Sherloc (09022015). Collection method: clinical testing. Allele origin: germline.
Comment: This sequence change replaces alanine, which is neutral and non-polar, with threonine, which is neutral and polar, at codon 160 of the APC protein (p.Ala160Thr). The frequency data for this variant in the population databases is considered unreliable, as metrics indicate poor data quality at this position in the gnomAD database. This variant has not been reported in the literature in individuals affected with APC-related conditions. ClinVar contains an entry for this variant (Variation ID: 428108). Invitae Evidence Modeling of protein sequence and biophysical properties (such as structural, functional, and spatial information, amino acid conservation, physicochemical variation, residue mobility, and thermodynamic stability) indicates that this missense variant is not expected to disrupt APC protein function with a negative predictive value of 95%. In summary, the available evidence is currently insufficient to determine the role of this variant in disease. Therefore, it has been classified as a Variant of Uncertain Significance.

All of Us Research Program, National Institutes of Health
Classification: Uncertain significance for Classic or attenuated familial adenomatous polyposis. Last evaluated: 2022-12-16. Review status: criteria provided, single submitter. Criteria: ACMG Guidelines, 2015. Collection method: clinical testing. Allele origin: germline. Inheritance: Autosomal dominant inheritance. Observed: 1 variant allele, 1 heterozygote.
Comment: This missense variant replaces alanine with threonine at codon 160 of the APC protein. Computational prediction is inconclusive regarding the impact of this variant on protein structure and function (internally defined REVEL score threshold 0.5 < inconclusive < 0.7, PMID: 27666373). To our knowledge, functional studies have not been reported for this variant. This variant has not been reported in individuals affected with hereditary cancer in the literature. This variant has been identified in 1/31062 chromosomes in the general population by the Genome Aggregation Database (gnomAD). The available evidence is insufficient to determine the role of this variant in disease conclusively. Therefore, this variant is classified as a Variant of Uncertain Significance.

This study involves interpretation of variants in research participants for the purpose of population health screening. Participant phenotype was not available at the time of variant classification. Additional details can be found in publication PMID: 35346344, PMCID: PMC8962531

GeneDx
Classification: Uncertain significance. Last evaluated: 2021-02-01. Review status: criteria provided, single submitter. Criteria: GeneDx Variant Classification Process June 2021. Collection method: clinical testing. Allele origin: germline. Affected: yes.
Comment: Not observed at a significant frequency in large population cohorts (Lek 2016); In silico analysis supports that this missense variant does not alter protein structure/function; Has not been previously published as pathogenic or benign to our knowledge

Color Diagnostics, LLC DBA Color Health
Classification: Uncertain significance for Hereditary cancer-predisposing syndrome. Last evaluated: 2020-08-24. Review status: criteria provided, single submitter. Criteria: ACMG Guidelines, 2015. Collection method: clinical testing. Allele origin: germline.
Comment: This missense variant replaces alanine with threonine at codon 160 of the APC protein. Computational prediction is inconclusive regarding the impact of this variant on protein structure and function (internally defined REVEL score threshold 0.5 < inconclusive < 0.7, PMID: 27666373). To our knowledge, functional studies have not been reported for this variant. This variant has not been reported in individuals affected with hereditary cancer in the literature. This variant has been identified in 1/31062 chromosomes in the general population by the Genome Aggregation Database (gnomAD). The available evidence is insufficient to determine the role of this variant in disease conclusively. Therefore, this variant is classified as a Variant of Uncertain Significance.

NM_000038.6(APC):c.478G>A (p.Ala160Thr)

Gene: APC (APC regulator of Wnt signaling pathway; plus strand). Cytogenetic location: 5q22.2.
Variant type: single nucleotide variant.
Coding change: c.478G>A on transcript NM_000038.6 (MANE Select); coding-DNA position 478, G replaced by A.
Protein change: p.Ala160Thr; replaces alanine 160 with threonine.
Molecular consequence: missense variant. On other transcripts: 5 prime UTR variant (1).
Genome position (GRCh38, 1-based): chr5:112,775,684, G>A. VCF-style: chr5-112775684-G-A. GRCh37 (hg19) VCF-style: chr5-112111381-G-A.
Other names: c.478G>A, p.Ala160Thr (NM_001127510.3, NM_001354895.2, NM_001354896.2 and 2 more transcripts); c.508G>A, p.Ala170Thr (NM_001127511.3, NM_001354897.2, NM_001354902.2); c.403G>A, p.Ala135Thr (NM_001354898.2, NM_001354904.2); c.301G>A, p.Ala101Thr (NM_001354900.2, NM_001354901.2, NM_001354905.2); c.-558G>A (NM_001354906.2); short protein forms A160T, A170T, A101T, A135T.
Identifiers: ClinVar variation 428108 (VCV000428108.59), dbSNP rs1114167556, ClinGen allele CA16022368.
Genomic context (GRCh38, chr5:112,775,684, plus strand): 5'-AATAGGTCATTGCTTCTTGCTGATCTTGACAAAGAAGAAAAGGAAAAAGACTGGTATTAC[G>A]CTCAACTTCAGAATCTCACTAAAAGAATAGATAGTCTTCCTTTAACTGAAAATGTAAGTA-3'
Protein context (NP_000029.2, residues 150-170): KEEKEKDWYY[Ala160Thr]QLQNLTKRID